The following is an entry in ClinVar:

ClinVar aggregate classification (germline): Pathogenic. Review status: criteria provided, multiple submitters, no conflicts (2 of 4 stars). 3 submissions from 3 submitters: Pathogenic (3). Last evaluated 2021-11-07.

Conditions:
Tuberous sclerosis 2 (TSC2). Identifiers: Orphanet 805, MedGen C1860707, MONDO:0013199, OMIM 613254.

Submissions (3):

Genome-Nilou Lab
Classification: Pathogenic for Tuberous sclerosis 2. Last evaluated: 2021-11-07. Review status: criteria provided, single submitter. Criteria: ACMG Guidelines, 2015. Collection method: clinical testing. Allele origin: germline. Affected: no.

Mendelics
Classification: Pathogenic for Tuberous sclerosis 2. Last evaluated: 2019-05-28. Review status: criteria provided, single submitter. Criteria: Mendelics Assertion Criteria 2017. Collection method: clinical testing. Allele origin: unknown.

Labcorp Genetics (formerly Invitae), Labcorp
Classification: Pathogenic for Tuberous sclerosis 2. Last evaluated: 2018-07-03. Review status: criteria provided, single submitter. Criteria: Invitae Variant Classification Sherloc (09022015). Collection method: clinical testing. Allele origin: germline.
Comment: This sequence change affects an acceptor splice site in intron 2 of the TSC2 gene. It is expected to disrupt RNA splicing and likely results in an absent or disrupted protein product. This variant is not present in population databases (ExAC no frequency). This variant has been observed in individuals with tuberous sclerosis complex (PMID: 24271014, Invitae). Algorithms developed to predict the effect of sequence changes on RNA splicing suggest that this variant may disrupt the consensus splice site, but this prediction has not been confirmed by published transcriptional studies. Donor and acceptor splice site variants typically lead to a loss of protein function (PMID: 16199547), and loss-of-function variants in TSC2 are known to be pathogenic (PMID: 10205261, 17304050). For these reasons, this variant has been classified as Pathogenic.

Literature cited by the submitters: PubMed 24271014 (cited by Labcorp Genetics (formerly Invitae), Labcorp); PubMed 16199547 (cited by Labcorp Genetics (formerly Invitae), Labcorp); PubMed 10205261 (cited by Labcorp Genetics (formerly Invitae), Labcorp); PubMed 17304050 (cited by Labcorp Genetics (formerly Invitae), Labcorp).

NM_000548.5(TSC2):c.139-1G>A

Gene: TSC2 (TSC complex subunit 2; plus strand). Cytogenetic location: 16p13.3.
Variant type: single nucleotide variant.
Coding change: c.139-1G>A on transcript NM_000548.5 (MANE Select); the canonical splice acceptor site of the intron before coding-DNA position 139, G replaced by A.
Molecular consequence: splice acceptor variant.
Genome position (GRCh38, 1-based): chr16:2,050,399, G>A. VCF-style: chr16-2050399-G-A. GRCh37 (hg19) VCF-style: chr16-2100400-G-A.
Other names: c.-1599-1G>A (NM_001406693.1); c.139-1G>A (NM_001406667.1, NM_001406668.1, NM_001114382.3 and 13 more transcripts); c.-678-1G>A (NM_001406680.1, NM_001406683.1, NM_001406687.1); c.-1293-1G>A (NM_001406689.1, NM_001406690.1, NM_001406692.1 and 2 more transcripts); c.-1469-1G>A (NM_001406698.1); c.-1174-1G>A (NM_001406694.1, NM_001406695.1); c.-1281-1G>A (NM_001406696.1); c.-307-1G>A (NM_001406681.1); and 3 more.
Identifiers: ClinVar variation 579576 (VCV000579576.13), dbSNP rs1567386603, ClinGen allele CA394303045.
Genomic context (GRCh38, chr16:2,050,399, plus strand): 5'-TGCAGTTAAGGAGACCGTGGCCTGAGCACTGGCCCCTTTTTCTTCTTTCATCTCTCTCCA[G>A]GAACTGAGCATGGAATGTGGCCTCAACAATCGCATCCGGATGATAGGGCAGATTTGTGAA-3'